The following is an entry in ClinVar:

ClinVar aggregate classification (germline): Pathogenic. Review status: reviewed by expert panel (3 of 4 stars). 5 submissions from 5 submitters: Pathogenic (1). 4 of the submissions do not count toward it. Last evaluated 2023-06-27.

Conditions:
Glycogen storage disease, type II (IOPD). Also called: CARDIOMEGALIA GLYCOGENICA DIFFUSA; POMPE DISEASE, INFANTILE-ONSET; GLYCOGEN STORAGE DISEASE II, INFANTILE-ONSET; ACID ALPHA-GLUCOSIDASE DEFICIENCY, INFANTILE-ONSET; GAA DEFICIENCY, INFANTILE-ONSET; ACID MALTASE DEFICIENCY, INFANTILE-ONSET. Identifiers: Orphanet 365, MedGen C0017921, MONDO:0009290, OMIM 232300.

Allele frequency attached by ClinVar (database versions not stated): gnomAD exomes below 0.00001.
gnomAD v4.1: 2 of 1,612,858 alleles (0.00012%); highest among the groups gnomAD compares: Non-Finnish European, 0.000085%; no homozygotes.

Submissions (5):

ClinGen Lysosomal Storage Disorder Variant Curation Expert Panel
Classification: Pathogenic for Glycogen storage disease, type II. Last evaluated: 2023-06-27. Review status: reviewed by expert panel. Criteria: clingen_lsd_acmg_specifications_v2-1. Collection method: curation. Allele origin: germline. Inheritance: Autosomal recessive inheritance.
Comment: The NM_000152.5:c.2383G>T (p.Glu795Ter) variant in GAA is a nonsense variant that is predicted to cause a premature stop codon in biologically-relevant-exon 17/20, leading to nonsense mediated decay in a gene in which loss-of-function is an established disease mechanism (PVS1). Two patients have been identified with GAA activity in the deficient range; one of these patients has no detectectable GAA protein on Western blot of protein from skin fibroblasts i.e. CRIM-negative (clinical diagnostic laboratory) (PP4_Moderate). The CRIM-negative patient is compound heterozygous for the variant and a variant that has been classified by the ClinGen Lysosomal Diseases Variant Curation Expert Panel (LD VCEP) as pathogenic, c.2560C>T(p.Arg854Ter). The phase is unknown (clinical diagnostic laboratory). The other patient is compound heterozygous for the variant and c.1904A>C (p.Asp635Thr). The allelic data from this patient will be used in the classification of p.Asp635Thr and is not included here to avoid circular logic (PM3_Supporting). The variant is absent in gnomAD v2.1.1. (PM2_Supporting).There is a ClinVar entry for this variant (Variation ID: 649354). In summary, this variant meets the criteria to be classified as pathogenic for Pompe disease. GAA-specific ACMG/AMP criteria applied, as specified by the ClinGen LD VCEP (Specification Version 2.0): PVS1, PP4_Moderate, PM2_Supporting, PM3_Supporting. (Classification approved by the ClinGen Lysosomal Diseases VCEP, June 27, 2023).

Genomenon, Inc
Classification: Likely pathogenic for Glycogen storage disease, type II. Last evaluated: 2026-07-01. Review status: criteria provided, single submitter. Criteria: Genomenon Sequence Variant Interpretation Standards - Updated. Collection method: curation. Allele origin: germline. Affected: no. Not counted in ClinVar's aggregate classification.
Comment: GAA p.Glu795Ter (c.2383G>T) is a nonsense variant that introduces a premature stop codon at amino acid position 795 and is predicted to result in a truncated or absent protein product. This variant has been reported in the published literature (PMID:37087815). It is absent or not present at a significant frequency in gnomAD. In conclusion, we classify GAA p.Glu795Ter (c.2383G>T) as a likely pathogenic variant.

Labcorp Genetics (formerly Invitae), Labcorp
Classification: Pathogenic for Glycogen storage disease, type II. Last evaluated: 2025-04-10. Review status: criteria provided, single submitter. Criteria: Invitae Variant Classification Sherloc (09022015). Collection method: clinical testing. Allele origin: germline. Not counted in ClinVar's aggregate classification.
Comment: This sequence change creates a premature translational stop signal (p.Glu795*) in the GAA gene. It is expected to result in an absent or disrupted protein product. Loss-of-function variants in GAA are known to be pathogenic (PMID: 18425781, 22252923). This variant is not present in population databases (gnomAD no frequency). This variant has not been reported in the literature in individuals affected with GAA-related conditions. ClinVar contains an entry for this variant (Variation ID: 649354). For these reasons, this variant has been classified as Pathogenic.

Revvity Omics, Revvity
Classification: Likely pathogenic. Last evaluated: 2021-10-08. Review status: criteria provided, single submitter. Criteria: ACMG Guidelines, 2015. Collection method: clinical testing. Allele origin: germline. Not counted in ClinVar's aggregate classification.

Myriad Genetics, Inc.
Classification: Likely pathogenic for Glycogen storage disease, type II. Last evaluated: 2019-03-27. Review status: criteria provided, single submitter. Criteria: Myriad Women's Health Autosomal Recessive and X-Linked Classification Criteria (2019). Collection method: clinical testing. Allele origin: unknown. Not counted in ClinVar's aggregate classification.
Comment: NM_000152.3(GAA):c.2383G>T(E795*) is expected to be pathogenic in the context of Pompe disease. This variant is predicted to lead to an abnormal or absent protein product due to the creation of a premature termination codon in GAA, a gene where loss-of-function variants are known to be pathogenic. Please note: this variant was assessed in the context of healthy population screening.

Literature cited by the submitters: PubMed 37087815 (cited by Genomenon, Inc); PubMed 18425781 (cited by Labcorp Genetics (formerly Invitae), Labcorp); PubMed 22252923 (cited by Labcorp Genetics (formerly Invitae), Labcorp).

NM_000152.5(GAA):c.2383G>T (p.Glu795Ter)

Gene: GAA (alpha glucosidase; plus strand). Cytogenetic location: 17q25.3.
Variant type: single nucleotide variant.
Coding change: c.2383G>T on transcript NM_000152.5 (MANE Select); coding-DNA position 2383, G replaced by T.
Protein change: p.Glu795Ter; replaces glutamic acid 795 with a stop codon.
Molecular consequence: nonsense.
Genome position (GRCh38, 1-based): chr17:80,117,651, G>T. VCF-style: chr17-80117651-G-T. GRCh37 (hg19) VCF-style: chr17-78091450-G-T.
Other names: c.2383G>T, p.Glu795Ter (NM_001079803.3, NM_001079804.3); c.2383G>T (LRG_673t1); short protein forms E795*.
Identifiers: ClinVar variation 649354 (VCV000649354.19), dbSNP rs886043882, ClinGen allele CA401325061.